The following is an entry in ClinVar:

NM_004211.5(SLC6A5):c.550C>A (p.Gln184Lys)

Gene: SLC6A5 (solute carrier family 6 member 5; plus strand). Cytogenetic location: 11p15.1.
Variant type: single nucleotide variant.
Coding change: c.550C>A on transcript NM_004211.5 (MANE Select); coding-DNA position 550, C replaced by A.
Protein change: p.Gln184Lys; replaces glutamine 184 with lysine.
Molecular consequence: missense variant. On other transcripts: intron variant (1).
Genome position (GRCh38, 1-based): chr11:20,604,295, C>A. VCF-style: chr11-20604295-C-A. GRCh37 (hg19) VCF-style: chr11-20625841-C-A.
Other names: c.-24+2630C>A (NM_001318369.2); short protein forms Q184K.
Identifiers: ClinVar variation 1434128 (VCV001434128.5), dbSNP rs2133771398, ClinGen allele CA379912557.

ClinVar aggregate classification (germline): Uncertain significance (1 of 4 stars; one submission).

Conditions:
Hyperekplexia 3 (HKPX3). Also called: HYPEREKPLEXIA 3, AUTOSOMAL RECESSIVE; HYPEREKPLEXIA 3, AUTOSOMAL DOMINANT. Identifiers: Orphanet 3197, MedGen C3553288, MONDO:0013827, OMIM 614618.

Allele frequency attached by ClinVar (database versions not stated): gnomAD exomes below 0.00001.
gnomAD v4.1: 3 of 1,611,388 alleles (0.00019%); highest among the groups gnomAD compares: Admixed American, 0.0033%; no homozygotes.

Submission:

Labcorp Genetics (formerly Invitae), Labcorp
Classification: Uncertain significance for Hyperekplexia 3. Last evaluated: 2021-09-24. Review status: criteria provided, single submitter. Criteria: Invitae Variant Classification Sherloc (09022015). Collection method: clinical testing. Allele origin: germline.
Comment: This sequence change replaces glutamine with lysine at codon 184 of the SLC6A5 protein (p.Gln184Lys). The glutamine residue is moderately conserved and there is a small physicochemical difference between glutamine and lysine. This variant is not present in population databases (ExAC no frequency). This variant has not been reported in the literature in individuals with SLC6A5-related conditions. Advanced modeling of protein sequence and biophysical properties (such as structural, functional, and spatial information, amino acid conservation, physicochemical variation, residue mobility, and thermodynamic stability) performed at Invitae indicates that this missense variant is not expected to disrupt SLC6A5 protein function. In summary, the available evidence is currently insufficient to determine the role of this variant in disease. Therefore, it has been classified as a Variant of Uncertain Significance.